The following is an entry in ClinVar:

ClinVar aggregate classification (germline): Uncertain significance (1 of 4 stars; one submission).

Allele frequency attached by ClinVar (database versions not stated): ExAC 0.00001; gnomAD 0.00002; TOPMed 0.00003; ESP Exome Variant Server 0.00008.
gnomAD v4.1: 16 of 1,611,616 alleles (0.00099%); highest among the groups gnomAD compares: African/African-American, 0.012%; no homozygotes.

Submission:

Labcorp Genetics (formerly Invitae), Labcorp
Classification: Uncertain significance. Last evaluated: 2022-09-24. Review status: criteria provided, single submitter. Criteria: Invitae Variant Classification Sherloc (09022015). Collection method: clinical testing. Allele origin: germline.
Comment: This sequence change replaces proline, which is neutral and non-polar, with alanine, which is neutral and non-polar, at codon 1324 of the C2CD3 protein (p.Pro1324Ala). This variant is present in population databases (rs370274241, gnomAD 0.007%). This variant has not been reported in the literature in individuals affected with C2CD3-related conditions. Advanced modeling of protein sequence and biophysical properties (such as structural, functional, and spatial information, amino acid conservation, physicochemical variation, residue mobility, and thermodynamic stability) performed at Invitae indicates that this missense variant is expected to disrupt C2CD3 protein function. In summary, the available evidence is currently insufficient to determine the role of this variant in disease. Therefore, it has been classified as a Variant of Uncertain Significance.

NM_001286577.2(C2CD3):c.3970C>G (p.Pro1324Ala)

Gene: C2CD3 (C2 domain containing 3 centriole elongation regulator; minus strand). Cytogenetic location: 11q13.4.
Variant type: single nucleotide variant.
Coding change: c.3970C>G on transcript NM_001286577.2 (MANE Select); coding-DNA position 3970, C replaced by G.
Protein change: p.Pro1324Ala; replaces proline 1324 with alanine.
Molecular consequence: missense variant.
Genome position (GRCh38, 1-based): chr11:74,084,911, G>C on the plus strand (C>G on the coding strand, the complement: C2CD3 is on the minus strand). VCF-style: chr11-74084911-G-C. GRCh37 (hg19) VCF-style: chr11-73795956-G-C.
Other names: c.3970C>G, p.Pro1324Ala (NM_015531.6); short protein forms P1324A.
Identifiers: ClinVar variation 1913404 (VCV001913404.4), dbSNP rs370274241, ClinGen allele CA6182252.
Genomic context (GRCh38, chr11:74,084,911, plus strand): 5'-CATCAGAAAGTGATAATCCAGGATCCTTACCAGATCTCTTGATCAGCAGCTCTTTTGTTG[G>C]AACTTTTACTACTCCAAGCAGATACTCTTTGCATGACTCAATACTGATTATATCACTTGC-3'
Protein context (NP_001273506.1, residues 1314-1334): KEYLLGVVKV[Pro1324Ala]TKELLIKRSG